The following is an entry in ClinVar:

ClinVar aggregate classification (germline): Uncertain significance. Review status: criteria provided, multiple submitters, no conflicts (2 of 4 stars). 2 submissions from 2 submitters: Uncertain significance (2). Last evaluated 2025-01-16.

gnomAD v4.1: 26 of 1,607,300 alleles (0.0016%); highest among the groups gnomAD compares: Middle Eastern, 0.017%; no homozygotes.

Submissions (2):

Labcorp Genetics (formerly Invitae), Labcorp
Classification: Uncertain significance. Last evaluated: 2025-01-16. Review status: criteria provided, single submitter. Criteria: Invitae Variant Classification Sherloc (09022015). Collection method: clinical testing. Allele origin: germline.
Comment: This sequence change replaces alanine, which is neutral and non-polar, with threonine, which is neutral and polar, at codon 483 of the LZTS1 protein (p.Ala483Thr). This variant is present in population databases (rs552226163, gnomAD 0.003%). This variant has not been reported in the literature in individuals affected with LZTS1-related conditions. Invitae Evidence Modeling of protein sequence and biophysical properties (such as structural, functional, and spatial information, amino acid conservation, physicochemical variation, residue mobility, and thermodynamic stability) indicates that this missense variant is not expected to disrupt LZTS1 protein function with a negative predictive value of 80%. In summary, the available evidence is currently insufficient to determine the role of this variant in disease. Therefore, it has been classified as a Variant of Uncertain Significance.

Ambry Genetics
Classification: Uncertain significance. Last evaluated: 2024-05-08. Review status: criteria provided, single submitter. Criteria: Ambry Variant Classification Scheme 2023. Collection method: clinical testing. Allele origin: germline.

NM_021020.5(LZTS1):c.1447G>A (p.Ala483Thr)

Gene: LZTS1 (leucine zipper tumor suppressor 1; minus strand). Cytogenetic location: 8p21.3.
Variant type: single nucleotide variant.
Coding change: c.1447G>A on transcript NM_021020.5 (MANE Select); coding-DNA position 1447, G replaced by A.
Protein change: p.Ala483Thr; replaces alanine 483 with threonine.
Molecular consequence: missense variant.
Genome position (GRCh38, 1-based): chr8:20,250,066, C>T on the plus strand (G>A on the coding strand, the complement: LZTS1 is on the minus strand). VCF-style: chr8-20250066-C-T. GRCh37 (hg19) VCF-style: chr8-20107577-C-T.
Other names: c.1447G>A, p.Ala483Thr (NM_001362884.2); short protein forms A483T.
Identifiers: ClinVar variation 3292434 (VCV003292434.3).